The following is an entry in ClinVar:

NM_144573.4(NEXN):c.1723G>T (p.Glu575Ter)

Gene: NEXN (nexilin F-actin binding protein; plus strand). Cytogenetic location: 1p31.1.
Variant type: single nucleotide variant.
Coding change: c.1723G>T on transcript NM_144573.4 (MANE Select); coding-DNA position 1723, G replaced by T.
Protein change: p.Glu575Ter; replaces glutamic acid 575 with a stop codon.
Molecular consequence: nonsense.
Genome position (GRCh38, 1-based): chr1:77,942,524, G>T. VCF-style: chr1-77942524-G-T. GRCh37 (hg19) VCF-style: chr1-78408209-G-T.
Other names: c.1531G>T, p.Glu511Ter (NM_001172309.2); short protein forms E511*, E575*.
Identifiers: ClinVar variation 3229171 (VCV003229171.1), dbSNP rs540870664, ClinGen allele CA340882136.

ClinVar aggregate classification (germline): Uncertain significance (1 of 4 stars; one submission).

Conditions:
Cardiovascular phenotype. Identifiers: MedGen CN230736.

gnomAD v4.1: 1 of 1,613,778 alleles (0.000062%); highest among the groups gnomAD compares: Non-Finnish European, 0.000085%; no homozygotes.

Submission:

Ambry Genetics
Classification: Uncertain significance for Cardiovascular phenotype. Last evaluated: 2023-12-15. Review status: criteria provided, single submitter. Criteria: Ambry Variant Classification Scheme 2023. Collection method: clinical testing. Allele origin: germline.
Comment: The p.E575* variant (also known as c.1723G>T), located in coding exon 12 of the NEXN gene, results from a G to T substitution at nucleotide position 1723. This changes the amino acid from a glutamic acid to a stop codon within coding exon 12. This alteration occurs at the 3' terminus of theNEXN gene, is not expected to trigger nonsense-mediated mRNAdecay, and only impacts the last 15% of the protein. The exact functional effect of this alteration is unknown. This alteration has been reported in monozygotic twins with dilated cardiomyopathy (DCM) and an additional alteration in SCN5A identified (Kean AC et al. Cardiol Young, 2019 Oct;29:1257-1263; Bruyndonckx L et al. Am J Med Genet A, 2021 Aug;185:2464-2470). Since supporting evidence is limited at this time, the clinical significance of this alteration remains unclear.

Literature cited by the submitters: PubMed 31477192; PubMed 33949776.